The following is an entry in ClinVar:

NM_014975.3(MAST1):c.308C>A (p.Thr103Lys)

Gene: MAST1 (microtubule associated serine/threonine kinase 1; plus strand). Cytogenetic location: 19p13.13.
Variant type: single nucleotide variant.
Coding change: c.308C>A on transcript NM_014975.3 (MANE Select); coding-DNA position 308, C replaced by A.
Protein change: p.Thr103Lys; replaces threonine 103 with lysine.
Molecular consequence: missense variant.
Genome position (GRCh38, 1-based): chr19:12,843,588, C>A. VCF-style: chr19-12843588-C-A. GRCh37 (hg19) VCF-style: chr19-12954402-C-A.
Other names: short protein forms T103K.
Identifiers: ClinVar variation 3369380 (VCV003369380.1).
Genomic context (GRCh38, chr19:12,843,588, plus strand): 5'-GGGCGGACGGACGCCGGTGGTCTCTGGCCTCGCTCCCTTCATCTGGCTATGGCACCAACA[C>A]GCCCAGTTCCACCGTCTCGGTGAGTGTGGAAAGTAGGTGGGTGGGCCGGTGGGTAAGGAA-3'
Protein context (NP_055790.1, residues 93-113): SLPSSGYGTN[Thr103Lys]PSSTVSSSCS

ClinVar aggregate classification (germline): Uncertain significance (1 of 4 stars; one submission).

Submission:

GeneDx
Classification: Uncertain significance. Last evaluated: 2024-02-21. Review status: criteria provided, single submitter. Criteria: GeneDx Variant Classification Process June 2021. Collection method: clinical testing. Allele origin: germline. Affected: yes.
Comment: Not observed at significant frequency in large population cohorts (gnomAD); In silico analysis supports that this missense variant has a deleterious effect on protein structure/function; Has not been previously published as pathogenic or benign to our knowledge